The following is an entry in ClinVar:

ClinVar aggregate classification (germline): Uncertain significance (1 of 4 stars; one submission).

gnomAD v4.1: 1 of 1,614,020 alleles (0.000062%); highest among the groups gnomAD compares: Non-Finnish European, 0.000085%; no homozygotes.

Submission:

Labcorp Genetics (formerly Invitae), Labcorp
Classification: Uncertain significance. Last evaluated: 2024-04-10. Review status: criteria provided, single submitter. Criteria: Invitae Variant Classification Sherloc (09022015). Collection method: clinical testing. Allele origin: germline.
Comment: This sequence change replaces arginine, which is basic and polar, with serine, which is neutral and polar, at codon 756 of the RFWD3 protein (p.Arg756Ser). This variant is not present in population databases (gnomAD no frequency). This variant has not been reported in the literature in individuals affected with RFWD3-related conditions. An algorithm developed to predict the effect of missense changes on protein structure and function (PolyPhen-2) suggests that this variant is likely to be tolerated. In summary, the available evidence is currently insufficient to determine the role of this variant in disease. Therefore, it has been classified as a Variant of Uncertain Significance.

NM_018124.4(RFWD3):c.2266C>A (p.Arg756Ser)

Gene: RFWD3 (ring finger and WD repeat domain 3; minus strand). Cytogenetic location: 16q23.1.
Variant type: single nucleotide variant.
Coding change: c.2266C>A on transcript NM_018124.4 (MANE Select); coding-DNA position 2266, C replaced by A.
Protein change: p.Arg756Ser; replaces arginine 756 with serine.
Molecular consequence: missense variant.
Genome position (GRCh38, 1-based): chr16:74,623,987, G>T on the plus strand (C>A on the coding strand, the complement: RFWD3 is on the minus strand). VCF-style: chr16-74623987-G-T. GRCh37 (hg19) VCF-style: chr16-74657885-G-T.
Other names: c.1432C>A, p.Arg478Ser (NM_001370541.1, NM_001370542.1, NM_001370543.1 and 3 more transcripts); c.2266C>A, p.Arg756Ser (NM_001370534.1, NM_001370535.1); c.2089C>A, p.Arg697Ser (NM_001370536.1); short protein forms R478S, R697S, R756S.
Identifiers: ClinVar variation 2791342 (VCV002791342.3), dbSNP rs150221303, ClinGen allele CA396758964.